The following is an entry in ClinVar:

NM_005430.4(WNT1):c.437G>T (p.Gly146Val)

Gene: WNT1 (Wnt family member 1; plus strand). Cytogenetic location: 12q13.12.
Variant type: single nucleotide variant.
Coding change: c.437G>T on transcript NM_005430.4 (MANE Select); coding-DNA position 437, G replaced by T.
Protein change: p.Gly146Val; replaces glycine 146 with valine.
Molecular consequence: missense variant.
Genome position (GRCh38, 1-based): chr12:48,980,502, G>T. VCF-style: chr12-48980502-G-T. GRCh37 (hg19) VCF-style: chr12-49374285-G-T.
Other names: short protein forms G146V.
Identifiers: ClinVar variation 2806973 (VCV002806973.4), dbSNP rs2498947344, ClinGen allele CA384631133.
Genomic context (GRCh38, chr12:48,980,502, plus strand): 5'-TTATCTTCGCTATCACCTCCGCCGGGGTCACCCATTCGGTGGCGCGCTCCTGCTCAGAAG[G>T]TTCCATCGAATCCTGCACGTGTGACTACCGGCGGCGCGGCCCCGGGGGCCCCGACTGGCA-3'
Protein context (NP_005421.1, residues 136-156): THSVARSCSE[Gly146Val]SIESCTCDYR

ClinVar aggregate classification (germline): Conflicting classifications of pathogenicity. Review status: criteria provided, conflicting classifications (1 of 4 stars). 2 submissions from 2 submitters: Likely pathogenic (1); Uncertain significance (1). Last evaluated 2024-11-18.

Conditions:
Osteogenesis imperfecta type 15. Also called: OI, TYPE XV; WNT1-related osteogenesis imperfecta; Osteogenesis imperfecta, type xv. Identifiers: Orphanet 666, MedGen C3808844, MONDO:0014086, OMIM 615220.

Submissions (2):

Labcorp Genetics (formerly Invitae), Labcorp
Classification: Uncertain significance. Last evaluated: 2024-11-18. Review status: criteria provided, single submitter. Criteria: Invitae Variant Classification Sherloc (09022015). Collection method: clinical testing. Allele origin: germline.
Comment: This sequence change replaces glycine, which is neutral and non-polar, with valine, which is neutral and non-polar, at codon 146 of the WNT1 protein (p.Gly146Val). This variant is not present in population databases (gnomAD no frequency). This missense change has been observed in individual(s) with osteogenesis imperfecta (internal data). ClinVar contains an entry for this variant (Variation ID: 2806973). Invitae Evidence Modeling of protein sequence and biophysical properties (such as structural, functional, and spatial information, amino acid conservation, physicochemical variation, residue mobility, and thermodynamic stability) indicates that this missense variant is expected to disrupt WNT1 protein function with a positive predictive value of 80%. In summary, the available evidence is currently insufficient to determine the role of this variant in disease. Therefore, it has been classified as a Variant of Uncertain Significance.

Institute of Human Genetics, Cologne University
Classification: Likely pathogenic for Osteogenesis imperfecta type 15. Last evaluated: 2024-09-16. Review status: criteria provided, single submitter. Criteria: ACMG Guidelines, 2015. Collection method: clinical testing. Allele origin: germline. Affected: yes.